The following is an entry in ClinVar:

ClinVar aggregate classification (germline): Pathogenic (1 of 4 stars; one submission).

Submission:

Labcorp Genetics (formerly Invitae), Labcorp
Classification: Pathogenic. Last evaluated: 2023-03-08. Review status: criteria provided, single submitter. Criteria: Invitae Variant Classification Sherloc (09022015). Collection method: clinical testing. Allele origin: germline.
Comment: This sequence change creates a premature translational stop signal (p.Trp2638*) in the FAT4 gene. It is expected to result in an absent or disrupted protein product. Loss-of-function variants in FAT4 are known to be pathogenic (PMID: 24056717, 24913602). This variant is not present in population databases (gnomAD no frequency). This variant has not been reported in the literature in individuals affected with FAT4-related conditions. For these reasons, this variant has been classified as Pathogenic.

Literature cited by the submitters: PubMed 24056717; PubMed 24913602.

NM_001291303.3(FAT4):c.7919G>A (p.Trp2640Ter)

Gene: FAT4 (FAT atypical cadherin 4; plus strand). Cytogenetic location: 4q28.1.
Variant type: single nucleotide variant.
Coding change: c.7919G>A on transcript NM_001291303.3 (MANE Select); coding-DNA position 7919, G replaced by A.
Protein change: p.Trp2640Ter; replaces tryptophan 2640 with a stop codon.
Molecular consequence: nonsense.
Genome position (GRCh38, 1-based): chr4:125,448,929, G>A. VCF-style: chr4-125448929-G-A. GRCh37 (hg19) VCF-style: chr4-126370084-G-A.
Other names: c.7919G>A, p.Trp2640Ter (NM_001291285.3); c.7913G>A, p.Trp2638Ter (NM_024582.6); short protein forms W2638*, W2640*.
Identifiers: ClinVar variation 2843978 (VCV002843978.3), dbSNP rs2530892102, ClinGen allele CA358144349.
Genomic context (GRCh38, chr4:125,448,929, plus strand): 5'-CAGGGCAGGTGTCTATTAGTCAACCTCTGGATTTTGAAAAGATACAAAAATATGTTGTAT[G>A]GATAGAGGCCAGAGACGGTGGTTTCCCTCCTTTCTCCTCTTACGAGAAACTTGATATAAC-3'